The following is an entry in ClinVar:

ClinVar aggregate classification (germline): Uncertain significance (1 of 4 stars; one submission).

Conditions:
AMPD2-related disorder. Also called: AMPD2-related condition.

Submission:

PreventionGenetics, part of Exact Sciences
Classification: Uncertain significance for AMPD2-related condition. Last evaluated: 2026-04-30. Review status: criteria provided, single submitter. Criteria: ACMG Guidelines, 2015. Collection method: clinical testing. Allele origin: germline.
Comment: The AMPD2 c.94dupG variant is predicted to result in a frameshift and premature protein termination (p.Asp32Glyfs*41). To our knowledge, this variant has not been reported in the literature or in a large population database (gnomAD), indicating this variant is rare. Although we suspect that this variant may be pathogenic, at this time, the clinical significance of this variant is uncertain due to the absence of conclusive functional and genetic evidence.

NM_001368809.2(AMPD2):c.-69dup

Gene: AMPD2 (adenosine monophosphate deaminase 2; plus strand). Cytogenetic location: 1p13.3.
Variant type: Duplication.
Coding change: c.-69dup on transcript NM_001368809.2 (MANE Select); 69 bases upstream of the start codon, one base duplicated (G; older notation c.-69dupG).
Molecular consequence: 5 prime UTR variant. On other transcripts: frameshift variant (1), intron variant (1).
Genome position (GRCh38, 1-based): chr1:109,621,107, G duplicated; the last of 2 consecutive G bases (chr1:109,621,106-109,621,107); duplicating either gives the same sequence. VCF-style (leftmost placement, unchanged base first): chr1-109621105-T-TG. GRCh37 (hg19) VCF-style: chr1-110163727-T-TG.
Other names: c.-1dup, p.Met1fs (NM_001308170.1); c.10+829dup (NM_139156.4); c.94dupG (NM_001257360.1); short protein forms M1fs.
Identifiers: ClinVar variation 4986749 (VCV004986749.1).